The following is an entry in ClinVar:

ClinVar aggregate classification (germline): Benign/Likely benign. Review status: criteria provided, multiple submitters, no conflicts (2 of 4 stars). 6 submissions from 6 submitters: Benign (1); Likely benign (5). Last evaluated 2025-11-13.

Conditions:
Hereditary cancer-predisposing syndrome. Also called: Neoplastic Syndromes, Hereditary; Hereditary neoplastic syndrome; Tumor predisposition; Hereditary Cancer Syndrome. Identifiers: Orphanet 140162, MedGen C0027672, MeSH D009386, MONDO:0015356.
Peutz-Jeghers syndrome (PJS). Also called: POLYPOSIS, HAMARTOMATOUS INTESTINAL; POLYPS-AND-SPOTS SYNDROME; Peutz-Jeghers polyposis; Periorificial lentiginosis syndrome. Identifiers: Orphanet 2869, MedGen C0031269, MeSH D010580, MONDO:0008280, OMIM 175200.

Allele frequency attached by ClinVar (database versions not stated): gnomAD exomes below 0.00001 and 0.00001.
gnomAD v4.1: 3 of 1,612,184 alleles (0.00019%); highest among the groups gnomAD compares: Non-Finnish European, 0.00025%; no homozygotes.

Submissions (6):

Labcorp Genetics (formerly Invitae), Labcorp
Classification: Likely benign for Peutz-Jeghers syndrome. Last evaluated: 2025-11-13. Review status: criteria provided, single submitter. Criteria: Invitae Variant Classification Sherloc (09022015). Collection method: clinical testing. Allele origin: germline.

Myriad Genetics, Inc.
Classification: Benign for Peutz-Jeghers syndrome. Last evaluated: 2025-03-27. Review status: criteria provided, single submitter. Criteria: Myriad Autosomal Dominant, Autosomal Recessive and X-Linked Classification Criteria (2023). Collection method: clinical testing. Allele origin: unknown.
Comment: This variant is considered benign. This variant is a silent/synonymous amino acid change and it is not expected to impact splicing.

Color Diagnostics, LLC DBA Color Health
Classification: Likely benign for Hereditary cancer-predisposing syndrome. Last evaluated: 2023-07-24. Review status: criteria provided, single submitter. Criteria: ACMG Guidelines, 2015. Collection method: clinical testing. Allele origin: germline.

Sema4
Classification: Likely benign for Hereditary cancer-predisposing syndrome. Last evaluated: 2021-11-16. Review status: criteria provided, single submitter. Criteria: Sema4 Curation Guidelines. Collection method: curation. Allele origin: germline.

GeneDx
Classification: Likely benign. Last evaluated: 2021-04-06. Review status: criteria provided, single submitter. Criteria: GeneDx Variant Classification Process June 2021. Collection method: clinical testing. Allele origin: germline. Affected: yes.

Ambry Genetics
Classification: Likely benign for Hereditary cancer-predisposing syndrome. Last evaluated: 2018-06-29. Review status: criteria provided, single submitter. Criteria: Ambry Variant Classification Scheme 2023. Collection method: clinical testing. Allele origin: germline.

NM_000455.5(STK11):c.738C>T (p.Tyr246=)

Gene: STK11 (serine/threonine kinase 11; plus strand). Cytogenetic location: 19p13.3.
Variant type: single nucleotide variant.
Coding change: c.738C>T on transcript NM_000455.5 (MANE Select); coding-DNA position 738, C replaced by T.
Protein change: p.Tyr246=; no amino-acid change (tyrosine 246 retained).
Molecular consequence: synonymous variant.
Genome position (GRCh38, 1-based): chr19:1,221,216, C>T. VCF-style: chr19-1221216-C-T. GRCh37 (hg19) VCF-style: chr19-1221215-C-T.
Identifiers: ClinVar variation 387264 (VCV000387264.21), dbSNP rs137853083, ClinGen allele CA16608829.